The following is an entry in ClinVar:

NM_002645.4(PIK3C2A):c.775T>C (p.Ser259Pro)

Gene: PIK3C2A (phosphatidylinositol-4-phosphate 3-kinase catalytic subunit type 2 alpha; minus strand). Cytogenetic location: 11p15.1.
Variant type: single nucleotide variant.
Coding change: c.775T>C on transcript NM_002645.4 (MANE Select); coding-DNA position 775, T replaced by C.
Protein change: p.Ser259Pro; replaces serine 259 with proline.
Molecular consequence: missense variant. On other transcripts: intron variant (1).
Genome position (GRCh38, 1-based): chr11:17,168,967, A>G on the plus strand (T>C on the coding strand, the complement: PIK3C2A is on the minus strand). VCF-style: chr11-17168967-A-G. GRCh37 (hg19) VCF-style: chr11-17190514-A-G.
Other names: c.775T>C, p.Ser259Pro (NM_001321378.2, NM_001386870.1); c.-75-13338T>C (NM_001321380.2); short protein forms S259P.
Identifiers: ClinVar variation 1915646 (VCV001915646.5), dbSNP rs1012472123, ClinGen allele CA218426025.

ClinVar aggregate classification (germline): Uncertain significance (1 of 4 stars; one submission).

Allele frequency attached by ClinVar (database versions not stated): gnomAD 0.00001; gnomAD exomes 0.00001; TOPMed 0.00002.
gnomAD v4.1: 9 of 1,613,686 alleles (0.00056%); highest among the groups gnomAD compares: Admixed American, 0.013%; no homozygotes.

Submission:

Labcorp Genetics (formerly Invitae), Labcorp
Classification: Uncertain significance. Last evaluated: 2023-08-24. Review status: criteria provided, single submitter. Criteria: Invitae Variant Classification Sherloc (09022015). Collection method: clinical testing. Allele origin: germline.
Comment: In summary, the available evidence is currently insufficient to determine the role of this variant in disease. Therefore, it has been classified as a Variant of Uncertain Significance. An algorithm developed to predict the effect of missense changes on protein structure and function (PolyPhen-2) suggests that this variant is likely to be tolerated. ClinVar contains an entry for this variant (Variation ID: 1915646). This variant has not been reported in the literature in individuals affected with PIK3C2A-related conditions. This variant is present in population databases (no rsID available, gnomAD 0.02%). This sequence change replaces serine, which is neutral and polar, with proline, which is neutral and non-polar, at codon 259 of the PIK3C2A protein (p.Ser259Pro).